The following is an entry in ClinVar:

ClinVar aggregate classification (germline): Uncertain significance. Review status: criteria provided, multiple submitters, no conflicts (2 of 4 stars). 2 submissions from 2 submitters: Uncertain significance (2). Last evaluated 2022-10-25.

Conditions:
Glycine encephalopathy. Also called: Non-ketotic hyperglycinemia; Nonketotic hyperglycinemia. Identifiers: Orphanet 407, MedGen C0751748, MONDO:0011612, HP:0008288.
Inborn genetic diseases. Identifiers: MedGen C0950123, MeSH D030342.

gnomAD v4.1: 30 of 1,614,164 alleles (0.0019%); highest among the groups gnomAD compares: Non-Finnish European, 0.0023%; no homozygotes.

Submissions (2):

Ambry Genetics
Classification: Uncertain significance for Inborn genetic diseases. Last evaluated: 2022-10-25. Review status: criteria provided, single submitter. Criteria: Ambry Variant Classification Scheme 2023. Collection method: clinical testing. Allele origin: germline.

Labcorp Genetics (formerly Invitae), Labcorp
Classification: Uncertain significance for Glycine encephalopathy. Last evaluated: 2022-08-19. Review status: criteria provided, single submitter. Criteria: Invitae Variant Classification Sherloc (09022015). Collection method: clinical testing. Allele origin: germline.
Comment: This sequence change replaces threonine, which is neutral and polar, with serine, which is neutral and polar, at codon 120 of the AMT protein (p.Thr120Ser). This variant is present in population databases (rs766350668, gnomAD 0.004%). This variant has not been reported in the literature in individuals affected with AMT-related conditions. Advanced modeling of protein sequence and biophysical properties (such as structural, functional, and spatial information, amino acid conservation, physicochemical variation, residue mobility, and thermodynamic stability) performed at Invitae indicates that this missense variant is expected to disrupt AMT protein function. Algorithms developed to predict the effect of sequence changes on RNA splicing suggest that this variant may create or strengthen a splice site. In summary, the available evidence is currently insufficient to determine the role of this variant in disease. Therefore, it has been classified as a Variant of Uncertain Significance.

NM_000481.4(AMT):c.359C>G (p.Thr120Ser)

Gene: AMT (aminomethyltransferase; minus strand). Cytogenetic location: 3p21.31.
Variant type: single nucleotide variant.
Coding change: c.359C>G on transcript NM_000481.4 (MANE Select); coding-DNA position 359, C replaced by G.
Protein change: p.Thr120Ser; replaces threonine 120 with serine.
Molecular consequence: missense variant. On other transcripts: non-coding transcript variant (1), intron variant (1).
Genome position (GRCh38, 1-based): chr3:49,420,323, G>C on the plus strand (C>G on the coding strand, the complement: AMT is on the minus strand). VCF-style: chr3-49420323-G-C. GRCh37 (hg19) VCF-style: chr3-49457756-G-C.
Other names: c.191C>G, p.Thr64Ser (NM_001164711.2); c.359C>G, p.Thr120Ser (NM_001164712.2); c.340-535C>G (NM_001164710.2); short protein forms T64S, T120S.
Identifiers: ClinVar variation 2156928 (VCV002156928.2), dbSNP rs766350668, ClinGen allele CA2398385.